The following is an entry in ClinVar:

NM_032808.7(LINGO1):c.828C>T (p.Thr276=)

Gene: LINGO1 (leucine rich repeat and Ig domain containing 1; minus strand). Cytogenetic location: 15q24.3.
Variant type: single nucleotide variant.
Coding change: c.828C>T on transcript NM_032808.7 (MANE Select); coding-DNA position 828, C replaced by T.
Protein change: p.Thr276=; no amino-acid change (threonine 276 retained).
Molecular consequence: synonymous variant.
Genome position (GRCh38, 1-based): chr15:77,615,079, G>A on the plus strand (C>T on the coding strand, the complement: LINGO1 is on the minus strand). VCF-style: chr15-77615079-G-A. GRCh37 (hg19) VCF-style: chr15-77907421-G-A.
Other names: c.810C>T, p.Thr270= (NM_001301186.2, NM_001301187.2, NM_001301189.2 and 8 more transcripts).
Identifiers: ClinVar variation 3290780 (VCV003290780.5).

ClinVar aggregate classification (germline): Likely benign. Review status: criteria provided, multiple submitters, no conflicts (2 of 4 stars). 2 submissions from 2 submitters: Likely benign (2). Last evaluated 2026-07-01.

gnomAD v4.1: 72 of 1,613,886 alleles (0.0045%); highest among the groups gnomAD compares: African/African-American, 0.0067%; no homozygotes.

Submissions (2):

CeGaT Center for Human Genetics Tuebingen
Classification: Likely benign. Last evaluated: 2026-07-01. Review status: criteria provided, single submitter. Criteria: CeGaT Center For Human Genetics Tuebingen Variant Classification Criteria Version 2. Collection method: clinical testing. Allele origin: germline. Affected: yes. Observed: 2 variant alleles.
Comment: LINGO1: BP4, BP7

Ambry Genetics
Classification: Likely benign. Last evaluated: 2024-04-17. Review status: criteria provided, single submitter. Criteria: Ambry Variant Classification Scheme 2023. Collection method: clinical testing. Allele origin: germline.